The following is an entry in ClinVar:

NM_000540.3(RYR1):c.6191T>G (p.Met2064Arg)

Gene: RYR1 (ryanodine receptor 1; plus strand). Cytogenetic location: 19q13.2.
Variant type: single nucleotide variant.
Coding change: c.6191T>G on transcript NM_000540.3 (MANE Select); coding-DNA position 6191, T replaced by G.
Protein change: p.Met2064Arg; replaces methionine 2064 with arginine.
Molecular consequence: missense variant.
Genome position (GRCh38, 1-based): chr19:38,492,553, T>G. VCF-style: chr19-38492553-T-G. GRCh37 (hg19) VCF-style: chr19-38983193-T-G.
Other names: c.6191T>G, p.Met2064Arg (NM_001042723.2); short protein forms M2064R.
Identifiers: ClinVar variation 224384 (VCV000224384.1), dbSNP rs200388510, ClinGen allele CA067875.
Genomic context (GRCh38, chr19:38,492,553, plus strand): 5'-TTCAGCTAGATGGAGAGGAGGAGGAACCAGAGGAAGAGACCACCCTGGGCAGCCGCCTCA[T>G]GAGCCTGTTGGAGAAAGTGCGGCTGGTGAAGAAGAAGGAAGAGAAACCTGAGGAGGAGCG-3'
Protein context (NP_000531.2, residues 2054-2074): EEETTLGSRL[Met2064Arg]SLLEKVRLVK

ClinVar aggregate classification (germline): Uncertain significance (1 of 4 stars; one submission).

Conditions:
Malignant hyperthermia, susceptibility to, 1 (MHS1). Also called: Malignant hyperthermia suceptibility 1; RYR1-Related Malignant Hyperthermia Susceptibility; Anesthesia related hyperthermia; Malignant hyperpyrexia; Fulminating hyperpyrexia; Pharmacogenic myopathy. Identifiers: Orphanet 423, MedGen C2930980, MONDO:0007783, OMIM 145600.

gnomAD v4.1: 2 of 1,614,046 alleles (0.00012%); highest among the groups gnomAD compares: Non-Finnish European, 0.00017%; no homozygotes.

Submission:

Biesecker Lab/Clinical Genomics Section, National Institutes of Health
Classification: Uncertain significance for Malignant hyperthermia, susceptibility to, 1. Last evaluated: 2013-07-01. Review status: criteria provided, single submitter. Criteria: Gonsalves et al. 2013. Collection method: research. Allele origin: unknown. Observed: 1 variant allele. Study: ClinSeq.
Comment: The study set was not selected for affection status in relation to any myopathy. Pathogenicity categories were based on literature curation. See Pubmed ID: 24195946 for details.